The following is an entry in ClinVar:

ClinVar aggregate classification (germline): Uncertain significance (1 of 4 stars; one submission).

Conditions:
Split hand-foot malformation 1. Also called: Split-hand/foot malformation 1; Split hand foot deformity 1; Split hand malformation1; Split hand deformity 1; SPLIT-HAND DEFORMITY; SPLIT-HAND/FOOT DEFORMITY 1. Identifiers: Orphanet 2440, MedGen C2931019, MONDO:0008464, OMIM 183600.
Split hand-foot malformation 1 with sensorineural hearing loss. Also called: SPLIT-HAND/FOOT MALFORMATION 1 WITH SENSORINEURAL HEARING LOSS, AUTOSOMAL RECESSIVE; DEAFNESS, CONGENITAL, WITH SPLIT HANDS AND FEET. Identifiers: Orphanet 71271, MedGen C1857344, MONDO:0009080, OMIM 220600.

Submission:

Juno Genomics, Hangzhou Juno Genomics, Inc
Classification: Uncertain significance for Split hand-foot malformation 1 with sensorineural hearing loss; Split hand-foot malformation 1. Review status: criteria provided, single submitter. Criteria: ACMG Guidelines, 2015. Collection method: clinical testing. Allele origin: germline.
Comment: Absent from controls (or at extremely low frequency if recessive) in Genome Aggregation Database.;Multiple lines of computational evidence support a deleterious effect on the gene or gene product.

NM_005221.6(DLX5):c.370G>A (p.Glu124Lys)

Gene: DLX5 (distal-less homeobox 5; minus strand). Cytogenetic location: 7q21.3.
Variant type: single nucleotide variant.
Coding change: c.370G>A on transcript NM_005221.6 (MANE Select); coding-DNA position 370, G replaced by A.
Protein change: p.Glu124Lys; replaces glutamic acid 124 with lysine.
Molecular consequence: missense variant.
Genome position (GRCh38, 1-based): chr7:97,022,355, C>T on the plus strand (G>A on the coding strand, the complement: DLX5 is on the minus strand). VCF-style: chr7-97022355-C-T. GRCh37 (hg19) VCF-style: chr7-96651667-C-T.
Other names: short protein forms E124K.
Identifiers: ClinVar variation 5007249 (VCV005007249.2).
Genomic context (GRCh38, chr7:97,022,355, plus strand): 5'-AAATAGTCCTGGGTTTACGAACTTTCTTTGGTTTGCCATTCACCATTCTCACCTCGGGCT[C>T]GGTCACTTCTTTCTCTAAATAATCAAAACAGACTCAGTTAAAGCTTGTCACCAGACAATG-3'
Protein context (NP_005212.1, residues 114-134): ATNQPEKEVT[Glu124Lys]PEVRMVNGKP